The following is an entry in ClinVar:

NM_001384140.1(PCDH15):c.3821A>G (p.Tyr1274Cys)

Gene: PCDH15 (protocadherin related 15; minus strand). Cytogenetic location: 10q21.1.
Variant type: single nucleotide variant.
Coding change: c.3821A>G on transcript NM_001384140.1 (MANE Select); coding-DNA position 3821, A replaced by G.
Protein change: p.Tyr1274Cys; replaces tyrosine 1274 with cysteine.
Molecular consequence: missense variant.
Genome position (GRCh38, 1-based): chr10:53,840,482, T>C on the plus strand (A>G on the coding strand, the complement: PCDH15 is on the minus strand). VCF-style: chr10-53840482-T-C. GRCh37 (hg19) VCF-style: chr10-55600242-T-C.
Other names: c.3821A>G (NM_033056.3); c.3836A>G, p.Tyr1279Cys (NM_001142763.2, NM_001142771.2); c.3821A>G, p.Tyr1274Cys (NM_001142764.2, NM_001142766.2, NM_001142770.3 and 4 more transcripts); c.3608A>G, p.Tyr1203Cys (NM_001142765.2); c.3710A>G, p.Tyr1237Cys (NM_001142767.2); c.3755A>G, p.Tyr1252Cys (NM_001142768.2, NM_001142773.2, NM_001354404.2); c.3857A>G, p.Tyr1286Cys (NM_001142769.4); c.3842A>G, p.Tyr1281Cys (NM_001354411.2); short protein forms Y1286C, Y1203C, Y1237C, Y1279C, Y1281C, Y1252C, Y1274C.
Identifiers: ClinVar variation 1038943 (VCV001038943.5), dbSNP rs904260491, ClinGen allele CA207233790.
Genomic context (GRCh38, chr10:53,840,482, plus strand): 5'-TGCCGGCGAGCTCCAATGGACTCCACTACGACCTTGGCACCAGGAATTTGTTCCTGAACA[T>C]AGCGATCCAAGATCCTATAAATCAAACAAAGTACAAACATGACAGTCCAATGGGCTTTCT-3'
Protein context (NP_001371069.1, residues 1264-1284): IEDLTEILDR[Tyr1274Cys]VQEQIPGAKV

ClinVar aggregate classification (germline): Uncertain significance. Review status: criteria provided, multiple submitters, no conflicts (2 of 4 stars). 4 submissions from 4 submitters: Uncertain significance (3). 1 of the submissions does not count toward it. Last evaluated 2024-09-11.

Conditions:
Inborn genetic diseases. Identifiers: MedGen C0950123, MeSH D030342.
Usher syndrome type 1F (USH1F). Also called: USHER SYNDROME, TYPE IF. Identifiers: Orphanet 231169, Orphanet 886, MedGen C1865885, MONDO:0011186, OMIM 602083.

Allele frequency attached by ClinVar (database versions not stated): gnomAD exomes 0.00001 and 0.00004; gnomAD 0.00002; TOPMed 0.00002.
gnomAD v4.1: 64 of 1,613,800 alleles (0.004%); highest among the groups gnomAD compares: Non-Finnish European, 0.0049%; no homozygotes.

Submissions (4):

Blueprint Genetics
Classification: Uncertain significance. Last evaluated: 2024-09-11. Review status: criteria provided, single submitter. Criteria: ACMG Guidelines, 2015. Collection method: clinical testing. Allele origin: germline.

Ambry Genetics
Classification: Uncertain significance for Inborn genetic diseases. Last evaluated: 2024-09-02. Review status: criteria provided, single submitter. Criteria: Ambry Variant Classification Scheme 2023. Collection method: clinical testing. Allele origin: germline.

Labcorp Genetics (formerly Invitae), Labcorp
Classification: Uncertain significance. Last evaluated: 2022-06-27. Review status: criteria provided, single submitter. Criteria: Invitae Variant Classification Sherloc (09022015). Collection method: clinical testing. Allele origin: germline.
Comment: This sequence change replaces tyrosine, which is neutral and polar, with cysteine, which is neutral and slightly polar, at codon 1274 of the PCDH15 protein (p.Tyr1274Cys). This variant is present in population databases (no rsID available, gnomAD 0.004%). This variant has not been reported in the literature in individuals affected with PCDH15-related conditions. ClinVar contains an entry for this variant (Variation ID: 1038943). Algorithms developed to predict the effect of missense changes on protein structure and function are either unavailable or do not agree on the potential impact of this missense change (SIFT: "Deleterious"; PolyPhen-2: "Probably Damaging"; Align-GVGD: "Class C0"). In summary, the available evidence is currently insufficient to determine the role of this variant in disease. Therefore, it has been classified as a Variant of Uncertain Significance.

Natera, Inc.
Classification: Uncertain significance for Usher syndrome type 1F. Last evaluated: 2020-06-01. Review status: no assertion criteria provided. Collection method: clinical testing. Allele origin: germline. Not counted in ClinVar's aggregate classification.